The following is an entry in ClinVar:

ClinVar aggregate classification (germline): Uncertain significance. Review status: reviewed by expert panel (3 of 4 stars). 3 submissions from 3 submitters: Uncertain significance (1). 2 of the submissions do not count toward it. Last evaluated 2025-01-13.

Conditions:
Nemaline myopathy 2 (NEM2). Also called: Nemaline myopathy 2, autosomal recessive. Identifiers: MedGen C1850569, MONDO:0009725, OMIM 256030.
Nemaline myopathy. Also called: Myopathies, Nemaline. Identifiers: Orphanet 607, MedGen C0206157, MONDO:0018958.
Arthrogryposis multiplex congenita 6. Identifiers: MedGen C5543431, MONDO:0030281, OMIM 619334.

Allele frequency attached by ClinVar (database versions not stated): gnomAD 0.00001; TOPMed 0.00001.

Submissions (3):

ClinGen Congenital Myopathies Variant Curation Expert Panel, ClinGen
Classification: Uncertain significance for Nemaline myopathy. Last evaluated: 2025-01-13. Review status: reviewed by expert panel. Criteria: ClinGen CongenMyopathy ACMG Specifications NEB V1.0.0. Collection method: curation. Allele origin: germline. Inheritance: Autosomal recessive inheritance.
Comment: The variant NM_001164508.2:c.12639+2dup in NEB is a duplication variant. The variant is absent from gnomAD v4.1.0 (PM2_Supporting). The variant has not been noted in any probands in the literature or in ClinVar. In summary, this variant meets the criteria to be classified as uncertain significance for AR nemaline myopathy. ACMG/AMP criteria met, as specified by the Congenital Myopathies VCEP: PM2_Supporting (ClinGen Congenital Myopathies VCEP specifications version 1.0.0; 1/13/2025).

Baylor Genetics
Classification: Likely pathogenic for Arthrogryposis multiplex congenita 6. Last evaluated: 2023-01-05. Review status: criteria provided, single submitter. Criteria: ACMG Guidelines, 2015. Collection method: clinical testing. Allele origin: unknown. Not counted in ClinVar's aggregate classification.

Labcorp Genetics (formerly Invitae), Labcorp
Classification: Uncertain significance for Nemaline myopathy 2. Last evaluated: 2022-07-05. Review status: criteria provided, single submitter. Criteria: Invitae Variant Classification Sherloc (09022015). Collection method: clinical testing. Allele origin: germline. Not counted in ClinVar's aggregate classification.
Comment: This variant occurs in a region of NEB (Exons 82-105) consisting of three highly homologous 8-exon repeat units (exons 82-89, exons 90-97, exons 98-105). Sequence variants in this region can be detected, but this assay cannot determine which of the three repeat units is affected, and zygosity is often ambiguous. All variants in this region are reported relative to the exon 82-89 repeat. This sequence change falls in intron 83 of the NEB gene. It does not directly change the encoded amino acid sequence of the NEB protein. It affects a nucleotide within the consensus splice site. The frequency data for this variant in the population databases (gnomAD) is considered unreliable due to the presence of homologous sequence, such as pseudogenes or paralogs, in the genome. This variant has not been reported in the literature in individuals affected with NEB-related conditions. ClinVar contains an entry for this variant (Variation ID: 1364817). Variants that disrupt the consensus splice site are a relatively common cause of aberrant splicing (PMID: 17576681, 9536098). Algorithms developed to predict the effect of sequence changes on RNA splicing suggest that this variant may create or strengthen a splice site. In summary, the available evidence is currently insufficient to determine the role of this variant in disease. Therefore, it has been classified as a Variant of Uncertain Significance.

Literature cited by the submitters: PubMed 17576681 (cited by Labcorp Genetics (formerly Invitae), Labcorp); PubMed 9536098 (cited by Labcorp Genetics (formerly Invitae), Labcorp).

NM_001164508.2(NEB):c.12639+2dup

Gene: NEB (nebulin; minus strand). Cytogenetic location: 2q23.3.
Variant type: Duplication.
Coding change: c.12639+2dup on transcript NM_001164508.2 (MANE Select); the canonical splice donor site of the intron after coding-DNA position 12639, one base duplicated (T; older notation c.12639+2dupT).
Molecular consequence: splice donor variant. On other transcripts: intron variant (1).
Genome position (GRCh38, 1-based): chr2:151,607,502, A duplicated on the plus strand (T on the coding strand, the reverse complement: NEB is on the minus strand). VCF-style (leftmost placement, unchanged base first): chr2-151607501-T-TA. GRCh37 (hg19) VCF-style: chr2-152464015-T-TA.
Other names: c.11601+2307dup (NM_004543.5); c.12639+2dup (NM_001164507.2, NM_001271208.2, NM_001271208.1).
Identifiers: ClinVar variation 1364817 (VCV001364817.5), dbSNP rs2097758186, ClinGen allele CA1037870609.
Genomic context (GRCh38, chr2:151,607,501, plus strand): 5'-CTCTCCATGAGCAGACAGATATTGCCCATAAAGGCTTTTACACTTCATGTTCGTGCCACT[T>TA]ACATTGCTGATTTGCAAGGCATTGATGTGGGCCTGCAGCATCTCCGGAGTATCAGAAGGA-3'